The following is an entry in ClinVar:

ClinVar aggregate classification (germline): Uncertain significance. Review status: criteria provided, multiple submitters, no conflicts (2 of 4 stars). 2 submissions from 2 submitters: Uncertain significance (2). Last evaluated 2026-03-07.

Conditions:
Inborn genetic diseases. Identifiers: MedGen C0950123, MeSH D030342.

gnomAD v4.1: 1 of 1,609,280 alleles (0.000062%); no homozygotes.

Submissions (2):

GeneDx
Classification: Uncertain significance. Last evaluated: 2026-03-07. Review status: criteria provided, single submitter. Criteria: GeneDx Variant Classification Process June 2021. Collection method: clinical testing. Allele origin: germline.
Comment: Not observed at significant frequency in large population cohorts (gnomAD); In silico analysis supports that this missense variant has a deleterious effect on protein structure/function; Has not been previously published as pathogenic or benign to our knowledge

Ambry Genetics
Classification: Uncertain significance for Inborn genetic diseases. Last evaluated: 2025-09-22. Review status: criteria provided, single submitter. Criteria: Ambry Variant Classification Scheme 2023. Collection method: clinical testing. Allele origin: germline.

NM_017934.7(PHIP):c.1864G>A (p.Gly622Arg)

Gene: PHIP (PHIP subunit of CUL4-Ring ligase complex; minus strand). Cytogenetic location: 6q14.1.
Variant type: single nucleotide variant.
Coding change: c.1864G>A on transcript NM_017934.7 (MANE Select); coding-DNA position 1864, G replaced by A.
Protein change: p.Gly622Arg; replaces glycine 622 with arginine.
Molecular consequence: missense variant.
Genome position (GRCh38, 1-based): chr6:79,001,914, C>T on the plus strand (G>A on the coding strand, the complement: PHIP is on the minus strand). VCF-style: chr6-79001914-C-T. GRCh37 (hg19) VCF-style: chr6-79711631-C-T.
Other names: short protein forms G622R.
Identifiers: ClinVar variation 4627382 (VCV004627382.2).